The following is an entry in ClinVar:

ClinVar aggregate classification (germline): Likely benign (1 of 4 stars; one submission).

Submission:

CeGaT Center for Human Genetics Tuebingen
Classification: Likely benign. Last evaluated: 2024-09-01. Review status: criteria provided, single submitter. Criteria: CeGaT Center For Human Genetics Tuebingen Variant Classification Criteria Version 2. Collection method: clinical testing. Allele origin: germline. Affected: yes. Observed: 1 variant allele.
Comment: POLR2A: BP4, BP7

NM_000937.5(POLR2A):c.1782C>T (p.Leu594=)

Gene: POLR2A (RNA polymerase II subunit A; plus strand). Cytogenetic location: 17p13.1.
Variant type: single nucleotide variant.
Coding change: c.1782C>T on transcript NM_000937.5 (MANE Select); coding-DNA position 1782, C replaced by T.
Protein change: p.Leu594=; no amino-acid change (leucine 594 retained).
Molecular consequence: synonymous variant.
Genome position (GRCh38, 1-based): chr17:7,500,749, C>T. VCF-style: chr17-7500749-C-T. GRCh37 (hg19) VCF-style: chr17-7404068-C-T.
Identifiers: ClinVar variation 3389182 (VCV003389182.14).
Genomic context (GRCh38, chr17:7,500,749, plus strand): 5'-CCCACAGCCGGCCATCCTAAAGCCCCGGCCCCTGTGGACAGGCAAGCAAATCTTCTCCCT[C>T]ATCATACCTGGTCACATCAATTGTATCCGTACCCACAGCACCCATCCCGATGATGAAGAC-3'
Protein context (NP_000928.1, residues 584-604): PLWTGKQIFS[Leu594=]IIPGHINCIR